The following is an entry in ClinVar:

ClinVar aggregate classification (germline): Likely pathogenic (1 of 4 stars; one submission).

Conditions:
Athabaskan severe combined immunodeficiency (SCIDA). Also called: Severe combined immunodeficiency, athabascan-type. Identifiers: MedGen C1865370.

Submission:

Natera, Inc.
Classification: Likely pathogenic for Athabascan severe combined immunodeficiency. Last evaluated: 2025-11-17. Review status: criteria provided, single submitter. Criteria: Natera Variant Classification Schema (03/2026). Collection method: clinical testing. Allele origin: germline.
Comment: The c.1607del variant in DCLRE1C is a frameshift variant predicted to shift the reading frame beginning at codon 536 and leads to a stop codon 8 codons downstream. This variant is expected to result in nonsense mediated decay, truncation, or a dysfunctional protein product. This variant is rare in the general population with a frequency below the threshold expected for the associated phenotype(s). Given the available evidence, this variant is classified as Likely Pathogenic.

NM_001033855.3(DCLRE1C):c.1607del (p.Asn536fs)

Gene: DCLRE1C (DNA cross-link repair 1C; minus strand). Cytogenetic location: 10p13.
Variant type: Deletion.
Coding change: c.1607del on transcript NM_001033855.3 (MANE Select); coding-DNA position 1607, one base deleted (A; older notation c.1607delA).
Protein change: p.Asn536fs; shifts the reading frame from asparagine 536.
Molecular consequence: frameshift variant. On other transcripts: non-coding transcript variant (4).
Genome position (GRCh38, 1-based): chr10:14,908,880, T deleted on the plus strand (A on the coding strand, the reverse complement: DCLRE1C is on the minus strand); the first of 2 consecutive T bases (chr10:14,908,880-14,908,881); deleting either gives the same sequence. VCF-style (leftmost placement, unchanged base first): chr10-14908879-AT-A. GRCh37 (hg19) VCF-style: chr10-14950878-AT-A.
Other names: c.1247del, p.Asn416fs (NM_001350967.2, NM_001289077.2, NM_001289079.2 and 2 more transcripts); c.1262del, p.Asn421fs (NM_022487.4, NM_001289078.2, NM_001350966.2 and 1 more transcripts); c.1607del, p.Asn536fs (NM_001350965.2); short protein forms N416fs, N421fs, N536fs.
Identifiers: ClinVar variation 4814546 (VCV004814546.1).